The following is an entry in ClinVar:

NM_001159699.2(FHL1):c.344C>T (p.Pro115Leu)

Gene: FHL1 (four and a half LIM domains 1; plus strand). Cytogenetic location: Xq26.3.
Variant type: single nucleotide variant.
Coding change: c.344C>T on transcript NM_001159699.2 (MANE Select); coding-DNA position 344, C replaced by T.
Protein change: p.Pro115Leu; replaces proline 115 with leucine.
Molecular consequence: missense variant. On other transcripts: non-coding transcript variant (1).
Genome position (GRCh38, 1-based): chrX:136,207,155, C>T. VCF-style: chrX-136207155-C-T. GRCh37 (hg19) VCF-style: chrX-135289314-C-T.
Other names: c.296C>T, p.Pro99Leu (NM_001159700.2, NM_001159702.3, NM_001159703.2 and 9 more transcripts); c.383C>T, p.Pro128Leu (NM_001159701.2); c.344C>T, p.Pro115Leu (NM_001330659.2); short protein forms P115L, P128L, P99L.
Identifiers: ClinVar variation 3774135 (VCV003774135.1).

ClinVar aggregate classification (germline): Uncertain significance (1 of 4 stars; one submission).

Submission:

GeneDx
Classification: Uncertain significance. Last evaluated: 2024-09-23. Review status: criteria provided, single submitter. Criteria: GeneDx Variant Classification Process June 2021. Collection method: clinical testing. Allele origin: germline. Affected: yes.
Comment: Not observed at significant frequency in large population cohorts (gnomAD); In silico analysis supports that this missense variant has a deleterious effect on protein structure/function; Has not been previously published as pathogenic or benign to our knowledge